The following is an entry in ClinVar:

ClinVar aggregate classification (germline): Benign (0 of 4 stars; one submission).

Conditions:
THBS2-related disorder. Also called: THBS2-related condition.

gnomAD v4.1: 27,703 of 1,611,900 alleles (1.7%); highest among the groups gnomAD compares: Middle Eastern, 2.3%; 283 homozygotes.

Submission:

PreventionGenetics, part of Exact Sciences
Classification: Benign for THBS2-related condition. Last evaluated: 2024-08-02. Review status: no assertion criteria provided. Collection method: clinical testing. Allele origin: germline.
Comment: This variant is classified as benign based on ACMG/AMP sequence variant interpretation guidelines (Richards et al. 2015 PMID: 25741868, with internal and published modifications).

NM_003247.5(THBS2):c.1780-4G>A

Genes: THBS2 (thrombospondin 2; minus strand), THBS2-AS1 (THBS2 antisense RNA 1; plus strand). Cytogenetic location: 6q27.
Variant type: single nucleotide variant.
Coding change: c.1780-4G>A on transcript NM_003247.5 (MANE Select); 4 bases into the intron before coding-DNA position 1780, G replaced by A.
Molecular consequence: intron variant.
Genome position (GRCh38, 1-based): chr6:169,232,820, C>T on the plus strand (G>A on the coding strand, the complement: THBS2 is on the minus strand). VCF-style: chr6-169232820-C-T. GRCh37 (hg19) VCF-style: chr6-169632915-C-T.
Other names: c.1606-4G>A (NM_001381939.1); c.1549-4G>A (NM_001381942.1); c.1780-4G>A (NM_001381940.1).
Identifiers: ClinVar variation 3352594 (VCV003352594.1).